The following is an entry in ClinVar:

ClinVar aggregate classification (germline): Conflicting classifications of pathogenicity. Review status: criteria provided, conflicting classifications (1 of 4 stars). 6 submissions from 6 submitters: Pathogenic (1); Uncertain significance (5). Last evaluated 2026-01-05.

Conditions:
Xeroderma pigmentosum variant type. Also called: POLH-Related Xeroderma Pigmentosum; XERODERMA PIGMENTOSUM WITH NORMAL DNA REPAIR RATES; PHOTOSENSITIVITY WITH DEFECTIVE DNA SYNTHESIS. Identifiers: Orphanet 90342, MedGen C1848410, MONDO:0010214, OMIM 278750.

Allele frequency attached by ClinVar (database versions not stated): gnomAD 0.00006 and 0.00007; TOPMed 0.00012; gnomAD exomes 0.00013 and 0.00016; ESP Exome Variant Server 0.00015; ExAC 0.00018.

Submissions (6):

Women's Health and Genetics/Laboratory Corporation of America, LabCorp
Classification: Uncertain significance. Last evaluated: 2026-01-05. Review status: criteria provided, single submitter. Criteria: LabCorp Variant Classification Summary - May 2015. Collection method: clinical testing. Allele origin: germline.
Comment: Variant summary: POLH c.2074A>G (p.Thr692Ala) results in a non-conservative amino acid change in the encoded protein sequence. Algorithms developed to predict the effect of missense changes on protein structure and function are either unavailable or do not agree on the potential impact of this missense change. The variant allele was found at a frequency of 0.00016 in 251232 control chromosomes. This frequency is not significantly higher than estimated for disease-causing variants in POLH, allowing no conclusion about variant significance. c.2074A>G has been observed in individual(s) affected with Xeroderma Pigmentosum (Opletalova_2014). These report(s) do not provide unequivocal conclusions about association of the variant with Xeroderma Pigmentosum. At least one publication reports experimental evidence evaluating an impact on protein function. These results showed this variant did not effect protein expression and stability when evaluated by westernblotting (Habulieti_2022). The following publications have been ascertained in the context of this evaluation (PMID: 28202063, 36308448, 24130121). ClinVar contains an entry for this variant (Variation ID: 870901). Based on the evidence outlined above, the variant was classified as uncertain significance.

Dasa
Classification: Uncertain significance. Last evaluated: 2025-01-27. Review status: criteria provided, single submitter. Criteria: DASA Assertion Criteria. Collection method: clinical testing. Allele origin: germline.
Comment: NM_006502.3(POLH):c.2074A>G (p.Thr692Ala) is a missense variant that results in the substitution of threonine with alanine. This variant has been recurrently observed in individuals with POLH-related disorders (PMID: 24130121; PMID: 37656691; PMID: 28202063; PMID: 36308448). Also, this variant is rare in population databases. The currently available literature and clinical evidence are not sufficient to establish a definitive association between this variant and the reported condition. Therefore, this variant is classified as a variant of uncertain significance.

Fulgent Genetics
Classification: Uncertain significance for Xeroderma pigmentosum variant type. Last evaluated: 2024-05-29. Review status: criteria provided, single submitter. Criteria: ACMG Guidelines, 2015. Collection method: clinical testing. Allele origin: germline.

CeGaT Center for Human Genetics Tuebingen
Classification: Pathogenic. Last evaluated: 2023-11-01. Review status: criteria provided, single submitter. Criteria: CeGaT Center For Human Genetics Tuebingen Variant Classification Criteria Version 2. Collection method: clinical testing. Allele origin: germline. Affected: yes. Observed: 1 variant allele.

Labcorp Genetics (formerly Invitae), Labcorp
Classification: Uncertain significance. Last evaluated: 2022-04-07. Review status: criteria provided, single submitter. Criteria: Invitae Variant Classification Sherloc (09022015). Collection method: clinical testing. Allele origin: germline.
Comment: This sequence change replaces threonine, which is neutral and polar, with alanine, which is neutral and non-polar, at codon 692 of the POLH protein (p.Thr692Ala). This variant is present in population databases (rs199562456, gnomAD 0.05%). This missense change has been observed in individual(s) with POLH-related conditions (PMID: 24130121). ClinVar contains an entry for this variant (Variation ID: 870901). Algorithms developed to predict the effect of missense changes on protein structure and function (SIFT, PolyPhen-2, Align-GVGD) all suggest that this variant is likely to be tolerated. In summary, the available evidence is currently insufficient to determine the role of this variant in disease. Therefore, it has been classified as a Variant of Uncertain Significance.

Revvity Omics, Revvity
Classification: Uncertain significance for Xeroderma pigmentosum variant type. Last evaluated: 2020-12-04. Review status: criteria provided, single submitter. Criteria: ACMG Guidelines, 2015. Collection method: clinical testing. Allele origin: germline.

Literature cited by the submitters: PubMed 28202063 (cited by Women's Health and Genetics/Laboratory Corporation of America, LabCorp and Dasa); PubMed 36308448 (cited by Women's Health and Genetics/Laboratory Corporation of America, LabCorp and Dasa); PubMed 24130121 (cited by 3 submitters); PubMed 37656691 (cited by Dasa).

NM_006502.3(POLH):c.2074A>G (p.Thr692Ala)

Gene: POLH (DNA polymerase eta; plus strand). Cytogenetic location: 6p21.1.
Variant type: single nucleotide variant.
Coding change: c.2074A>G on transcript NM_006502.3 (MANE Select); coding-DNA position 2074, A replaced by G.
Protein change: p.Thr692Ala; replaces threonine 692 with alanine.
Molecular consequence: missense variant. On other transcripts: 3 prime UTR variant (1).
Genome position (GRCh38, 1-based): chr6:43,614,489, A>G. VCF-style: chr6-43614489-A-G. GRCh37 (hg19) VCF-style: chr6-43582226-A-G.
Other names: c.1702A>G, p.Thr568Ala (NM_001291969.2); c.*758A>G (NM_001291970.2); c.2074A>G (NM_006502.2); short protein forms T568A, T692A.
Identifiers: ClinVar variation 870901 (VCV000870901.51), dbSNP rs199562456, ClinGen allele CA3827358.